The following is an entry in ClinVar:

NM_001875.5(CPS1):c.378C>T (p.Ile126=)

Gene: CPS1 (carbamoyl-phosphate synthase 1; plus strand). Cytogenetic location: 2q34.
Variant type: single nucleotide variant.
Coding change: c.378C>T on transcript NM_001875.5 (MANE Select); coding-DNA position 378, C replaced by T.
Protein change: p.Ile126=; no amino-acid change (isoleucine 126 retained).
Molecular consequence: synonymous variant. On other transcripts: non-coding transcript variant (1).
Genome position (GRCh38, 1-based): chr2:210,576,487, C>T. VCF-style: chr2-210576487-C-T. GRCh37 (hg19) VCF-style: chr2-211441211-C-T.
Other names: c.378C>T, p.Ile126= (NM_001122633.3, NM_001369257.1); c.411C>T, p.Ile137= (NM_001369256.1); c.378C>T (NM_001875.4).
Identifiers: ClinVar variation 1078362 (VCV001078362.10), dbSNP rs780425393, ClinGen allele CA2085999.

ClinVar aggregate classification (germline): Likely benign. Review status: criteria provided, multiple submitters, no conflicts (2 of 4 stars). 2 submissions from 2 submitters: Likely benign (2). Last evaluated 2025-12-10.

Conditions:
CPS1-related disorder. Also called: CPS1-related condition.
Congenital hyperammonemia, type I. Also called: Carbamoyl phosphate synthetase 1 deficiency; Hyperammonemia due to carbamoyl phosphate synthetase 1 deficiency; CPS 1 deficiency; Carbamyl phosphate synthetase (CPS) deficiency; Carbamoyl phosphate synthetase I deficiency disease; CPS I DEFICIENCY. Identifiers: Orphanet 147, MedGen C4082171, MONDO:0009376, OMIM 237300.

Allele frequency attached by ClinVar (database versions not stated): gnomAD exomes below 0.00001 and 0.00001; ExAC 0.00001; gnomAD 0.00003 and 0.00004.
gnomAD v4.1: 12 of 1,613,328 alleles (0.00074%); highest among the groups gnomAD compares: African/African-American, 0.0013%; no homozygotes.

Submissions (2):

PreventionGenetics, part of Exact Sciences
Classification: Likely benign for CPS1-related condition. Last evaluated: 2025-12-10. Review status: criteria provided, single submitter. Criteria: ACMG Guidelines, 2015. Collection method: clinical testing. Allele origin: germline.
Comment: This variant is classified as likely benign based on ACMG/AMP sequence variant interpretation guidelines (Richards et al. 2015 PMID: 25741868, with internal and published modifications).

Labcorp Genetics (formerly Invitae), Labcorp
Classification: Likely benign for Congenital hyperammonemia, type I. Last evaluated: 2024-02-25. Review status: criteria provided, single submitter. Criteria: Invitae Variant Classification Sherloc (09022015). Collection method: clinical testing. Allele origin: germline.